The following is an entry in ClinVar:

ClinVar aggregate classification (germline): Uncertain significance. Review status: criteria provided, multiple submitters, no conflicts (2 of 4 stars). 2 submissions from 2 submitters: Uncertain significance (2). Last evaluated 2025-02-10.

Conditions:
Neurodegeneration, childhood-onset, with multisystem involvement due to mitochondrial dysfunction. Identifiers: MedGen C5774240, MONDO:0859304, OMIM 620089.

Submissions (2):

Labcorp Genetics (formerly Invitae), Labcorp
Classification: Uncertain significance. Last evaluated: 2025-02-10. Review status: criteria provided, single submitter. Criteria: Invitae Variant Classification Sherloc (09022015). Collection method: clinical testing. Allele origin: germline.
Comment: This sequence change replaces glutamine, which is neutral and polar, with arginine, which is basic and polar, at codon 477 of the LETM1 protein (p.Gln477Arg). This variant is not present in population databases (gnomAD no frequency). This variant has not been reported in the literature in individuals affected with LETM1-related conditions. ClinVar contains an entry for this variant (Variation ID: 1926071). An algorithm developed to predict the effect of missense changes on protein structure and function outputs the following: PolyPhen-2: "Benign". The arginine amino acid residue is found in multiple mammalian species, which suggests that this missense change does not adversely affect protein function. In summary, the available evidence is currently insufficient to determine the role of this variant in disease. Therefore, it has been classified as a Variant of Uncertain Significance.

Laboratorio de Genetica e Diagnostico Molecular, Hospital Israelita Albert Einstein
Classification: Uncertain significance for Neurodegeneration, childhood-onset, with multisystem involvement due to mitochondrial dysfunction. Last evaluated: 2024-11-14. Review status: criteria provided, single submitter. Criteria: ACMG Guidelines, 2015. Collection method: clinical testing. Allele origin: germline. Affected: yes.
Comment: ACMG classification criteria: PM2 supporting, BP4 supporting

NM_012318.3(LETM1):c.1430A>G (p.Gln477Arg)

Gene: LETM1 (leucine zipper and EF-hand containing transmembrane protein 1; minus strand). Cytogenetic location: 4p16.3.
Variant type: single nucleotide variant.
Coding change: c.1430A>G on transcript NM_012318.3 (MANE Select); coding-DNA position 1430, A replaced by G.
Protein change: p.Gln477Arg; replaces glutamine 477 with arginine.
Molecular consequence: missense variant.
Genome position (GRCh38, 1-based): chr4:1,823,034, T>C on the plus strand (A>G on the coding strand, the complement: LETM1 is on the minus strand). VCF-style: chr4-1823034-T-C. GRCh37 (hg19) VCF-style: chr4-1824761-T-C.
Other names: short protein forms Q477R.
Identifiers: ClinVar variation 1926071 (VCV001926071.4), dbSNP rs1025013676, ClinGen allele CA91268387.